The following is an entry in ClinVar:

NM_000094.4(COL7A1):c.1333C>T (p.Arg445Trp)

Gene: COL7A1 (collagen type VII alpha 1 chain; minus strand). Cytogenetic location: 3p21.31.
Variant type: single nucleotide variant.
Coding change: c.1333C>T on transcript NM_000094.4 (MANE Select); coding-DNA position 1333, C replaced by T.
Protein change: p.Arg445Trp; replaces arginine 445 with tryptophan.
Molecular consequence: missense variant.
Genome position (GRCh38, 1-based): chr3:48,591,922, G>A on the plus strand (C>T on the coding strand, the complement: COL7A1 is on the minus strand). VCF-style: chr3-48591922-G-A. GRCh37 (hg19) VCF-style: chr3-48629355-G-A.
Other names: short protein forms R445W.
Identifiers: ClinVar variation 3706438 (VCV003706438.2).

ClinVar aggregate classification (germline): Uncertain significance (1 of 4 stars; one submission).

gnomAD v4.1: 11 of 1,614,022 alleles (0.00068%); highest among the groups gnomAD compares: Admixed American, 0.0017%; no homozygotes.

Submission:

Labcorp Genetics (formerly Invitae), Labcorp
Classification: Uncertain significance. Last evaluated: 2024-05-22. Review status: criteria provided, single submitter. Criteria: Invitae Variant Classification Sherloc (09022015). Collection method: clinical testing. Allele origin: germline.
Comment: This sequence change replaces arginine, which is basic and polar, with tryptophan, which is neutral and slightly polar, at codon 445 of the COL7A1 protein (p.Arg445Trp). This variant is present in population databases (no rsID available, gnomAD 0.003%). This variant has not been reported in the literature in individuals affected with COL7A1-related conditions. Advanced modeling of protein sequence and biophysical properties (such as structural, functional, and spatial information, amino acid conservation, physicochemical variation, residue mobility, and thermodynamic stability) has been performed at Invitae for this missense variant, however the output from this modeling did not meet the statistical confidence thresholds required to predict the impact of this variant on COL7A1 protein function. In summary, the available evidence is currently insufficient to determine the role of this variant in disease. Therefore, it has been classified as a Variant of Uncertain Significance.